The following is an entry in ClinVar:

NM_014413.4(EIF2AK1):c.1856G>T (p.Gly619Val)

Gene: EIF2AK1 (eukaryotic translation initiation factor 2 alpha kinase 1; minus strand). Cytogenetic location: 7p22.1.
Variant type: single nucleotide variant.
Coding change: c.1856G>T on transcript NM_014413.4 (MANE Select); coding-DNA position 1856, G replaced by T.
Protein change: p.Gly619Val; replaces glycine 619 with valine.
Molecular consequence: missense variant.
Genome position (GRCh38, 1-based): chr7:6,024,710, C>A on the plus strand (G>T on the coding strand, the complement: EIF2AK1 is on the minus strand). VCF-style: chr7-6024710-C-A. GRCh37 (hg19) VCF-style: chr7-6064341-C-A.
Other names: c.1856G>T (NM_014413.3); c.1853G>T, p.Gly618Val (NM_001134335.2); short protein forms G618V, G619V.
Identifiers: ClinVar variation 2189581 (VCV002189581.5), dbSNP rs145785371, ClinGen allele CA4150581.

ClinVar aggregate classification (germline): Uncertain significance. Review status: criteria provided, multiple submitters, no conflicts (2 of 4 stars). 2 submissions from 2 submitters: Uncertain significance (2). Last evaluated 2022-09-03.

Allele frequency attached by ClinVar (database versions not stated): gnomAD exomes 0.00001; ExAC 0.00002; TOPMed 0.00003; gnomAD 0.00007; ESP Exome Variant Server 0.00008.
gnomAD v4.1: 19 of 1,610,048 alleles (0.0012%); highest among the groups gnomAD compares: African/African-American, 0.025%; no homozygotes.

Submissions (2):

Labcorp Genetics (formerly Invitae), Labcorp
Classification: Uncertain significance. Last evaluated: 2022-09-03. Review status: criteria provided, single submitter. Criteria: Invitae Variant Classification Sherloc (09022015). Collection method: clinical testing. Allele origin: germline.
Comment: This sequence change replaces glycine, which is neutral and non-polar, with valine, which is neutral and non-polar, at codon 619 of the EIF2AK1 protein (p.Gly619Val). This variant is present in population databases (rs145785371, gnomAD 0.03%). This variant has not been reported in the literature in individuals affected with EIF2AK1-related conditions. Algorithms developed to predict the effect of missense changes on protein structure and function are either unavailable or do not agree on the potential impact of this missense change (SIFT: "Deleterious"; PolyPhen-2: "Not Available"; Align-GVGD: "Class C0"). In summary, the available evidence is currently insufficient to determine the role of this variant in disease. Therefore, it has been classified as a Variant of Uncertain Significance.

Ambry Genetics
Classification: Uncertain significance. Last evaluated: 2022-07-12. Review status: criteria provided, single submitter. Criteria: Ambry Variant Classification Scheme 2023. Collection method: clinical testing. Allele origin: germline.